The following is an entry in ClinVar:

ClinVar aggregate classification (germline): Uncertain significance. Review status: criteria provided, multiple submitters, no conflicts (2 of 4 stars). 2 submissions from 2 submitters: Uncertain significance (2). Last evaluated 2022-09-20.

Conditions:
Spondylodysplastic Ehlers-Danlos syndrome. Identifiers: Orphanet 536471, Orphanet 75496, MedGen C5680154, MONDO:0007526.
Inborn genetic diseases. Identifiers: MedGen C0950123, MeSH D030342.

Allele frequency attached by ClinVar (database versions not stated): ESP Exome Variant Server 0.00038.
gnomAD v4.1: 106 of 1,613,846 alleles (0.0066%); highest among the groups gnomAD compares: African/African-American, 0.11%; no homozygotes.

Submissions (2):

Ambry Genetics
Classification: Uncertain significance for Inborn genetic diseases. Last evaluated: 2022-09-20. Review status: criteria provided, single submitter. Criteria: Ambry Variant Classification Scheme 2023. Collection method: clinical testing. Allele origin: germline.

Labcorp Genetics (formerly Invitae), Labcorp
Classification: Uncertain significance for Spondylodysplastic Ehlers-Danlos syndrome. Last evaluated: 2022-08-23. Review status: criteria provided, single submitter. Criteria: Invitae Variant Classification Sherloc (09022015). Collection method: clinical testing. Allele origin: germline.
Comment: This sequence change replaces glycine, which is neutral and non-polar, with arginine, which is basic and polar, at codon 304 of the B4GALT7 protein (p.Gly304Arg). This variant is present in population databases (rs145082497, gnomAD 0.1%). This variant has not been reported in the literature in individuals affected with B4GALT7-related conditions. ClinVar contains an entry for this variant (Variation ID: 1346974). Algorithms developed to predict the effect of missense changes on protein structure and function are either unavailable or do not agree on the potential impact of this missense change (SIFT: "Tolerated"; PolyPhen-2: "Probably Damaging"; Align-GVGD: "Class C0"). Algorithms developed to predict the effect of sequence changes on RNA splicing suggest that this variant may create or strengthen a splice site. In summary, the available evidence is currently insufficient to determine the role of this variant in disease. Therefore, it has been classified as a Variant of Uncertain Significance.

NM_007255.3(B4GALT7):c.910G>A (p.Gly304Arg)

Gene: B4GALT7 (beta-1,4-galactosyltransferase 7; plus strand). Cytogenetic location: 5q35.3.
Variant type: single nucleotide variant.
Coding change: c.910G>A on transcript NM_007255.3 (MANE Select); coding-DNA position 910, G replaced by A.
Protein change: p.Gly304Arg; replaces glycine 304 with arginine.
Molecular consequence: missense variant.
Genome position (GRCh38, 1-based): chr5:177,609,621, G>A. VCF-style: chr5-177609621-G-A. GRCh37 (hg19) VCF-style: chr5-177036622-G-A.
Other names: c.910G>A (NM_007255.2); short protein forms G304R.
Identifiers: ClinVar variation 1346974 (VCV001346974.4), dbSNP rs145082497, ClinGen allele CA3586740.